The following is an entry in ClinVar:

NM_001128425.2(MUTYH):c.32T>G (p.Leu11Arg)

Genes: MUTYH (mutY DNA glycosylase; minus strand), TOE1 (target of EGR1, exonuclease; plus strand). Cytogenetic location: 1p34.1.
Variant type: single nucleotide variant.
Coding change: c.32T>G on transcript NM_001128425.2 (MANE Plus Clinical); coding-DNA position 32, T replaced by G.
Protein change: p.Leu11Arg; replaces leucine 11 with arginine.
Molecular consequence: missense variant. On other transcripts: 5 prime UTR variant (8), non-coding transcript variant (3).
Genome position (GRCh38, 1-based): chr1:45,340,223, A>C on the plus strand (T>G on the coding strand, the complement: MUTYH is on the minus strand). VCF-style: chr1-45340223-A-C. GRCh37 (hg19) VCF-style: chr1-45805895-A-C.
Other names: c.-30A>C (NM_025077.4); c.-11T>G (NM_001048171.2); c.32T>G, p.Leu11Arg (NM_001293190.2, NM_001407069.1, NM_001407073.1 and 1 more transcripts); c.-223T>G (NM_001293192.2); c.-282T>G (NM_001350650.2); c.-218T>G (NM_001350651.2); c.-27T>G (NM_001407070.1, NM_001407071.1); c.-7T>G (NM_001407072.1); short protein forms L11R.
Identifiers: ClinVar variation 823495 (VCV000823495.14), dbSNP rs752665489, ClinGen allele CA089471.

ClinVar aggregate classification (germline): Conflicting classifications of pathogenicity. Review status: criteria provided, conflicting classifications (1 of 4 stars). 4 submissions from 4 submitters: Likely pathogenic (1); Uncertain significance (3). Last evaluated 2025-05-22.

Conditions:
Hereditary cancer-predisposing syndrome. Also called: Tumor predisposition; Neoplastic Syndromes, Hereditary; Hereditary Cancer Syndrome; Hereditary neoplastic syndrome. Identifiers: Orphanet 140162, MedGen C0027672, MeSH D009386, MONDO:0015356.
Familial adenomatous polyposis 2. Also called: COLORECTAL ADENOMATOUS POLYPOSIS, AUTOSOMAL RECESSIVE; MYH-associated polyposis; FAP type 2; Adenomas, multiple colorectal; MUTYH Polyposis; ADENOMAS, MULTIPLE COLORECTAL, AUTOSOMAL RECESSIVE. Identifiers: Orphanet 220460, Orphanet 247798, MedGen C3272841, MONDO:0012041, OMIM 608456.

Allele frequency attached by ClinVar (database versions not stated): gnomAD exomes below 0.00001; ExAC 0.00001.
gnomAD v4.1: 3 of 1,613,842 alleles (0.00019%); highest among the groups gnomAD compares: Non-Finnish European, 0.00025%; no homozygotes.

Submissions (4):

GeneDx
Classification: Likely pathogenic. Last evaluated: 2025-05-22. Review status: criteria provided, single submitter. Criteria: GeneDx Variant Classification Process June 2021. Collection method: clinical testing. Allele origin: germline. Affected: yes.
Comment: Exonic splice site variant demonstrated to result in protein truncation or nonsense mediated decay in a gene for which loss-of-function is a known mechanism of disease (PMID: 39902189); Not observed in large population cohorts (gnomAD); This variant is associated with the following publications: (PMID: 23108399, 39902189)

Labcorp Genetics (formerly Invitae), Labcorp
Classification: Uncertain significance for Familial adenomatous polyposis 2. Last evaluated: 2024-12-30. Review status: criteria provided, single submitter. Criteria: Invitae Variant Classification Sherloc (09022015). Collection method: clinical testing. Allele origin: germline.
Comment: This sequence change replaces leucine, which is neutral and non-polar, with arginine, which is basic and polar, at codon 11 of the MUTYH protein (p.Leu11Arg). This variant is present in population databases (rs752665489, gnomAD 0.006%). This variant has not been reported in the literature in individuals affected with MUTYH-related conditions. ClinVar contains an entry for this variant (Variation ID: 823495). An algorithm developed to predict the effect of missense changes on protein structure and function outputs the following: PolyPhen-2: "Benign". The arginine amino acid residue is found in multiple mammalian species, which suggests that this missense change does not adversely affect protein function. Studies have shown that this missense change is associated with inconclusive levels of altered splicing (internal data). In summary, the available evidence is currently insufficient to determine the role of this variant in disease. Therefore, it has been classified as a Variant of Uncertain Significance.

Ambry Genetics
Classification: Uncertain significance for Hereditary cancer-predisposing syndrome. Last evaluated: 2024-09-30. Review status: criteria provided, single submitter. Criteria: Ambry Variant Classification Scheme 2023. Collection method: clinical testing. Allele origin: germline.
Comment: The p.L11R variant (also known as c.32T>G), located in coding exon 1 of the MUTYH gene, results from a T to G substitution at nucleotide position 32. The leucine at codon 11 is replaced by arginine, an amino acid with dissimilar properties. This amino acid position is not well conserved in available vertebrate species, and arginine is the reference amino acid in other vertebrate species. In addition, this alteration is predicted to be tolerated by in silico analysis. Since supporting evidence is limited at this time, the clinical significance of this alteration remains unclear.

Color Diagnostics, LLC DBA Color Health
Classification: Uncertain significance for Hereditary cancer-predisposing syndrome. Last evaluated: 2024-01-14. Review status: criteria provided, single submitter. Criteria: ACMG Guidelines, 2015. Collection method: clinical testing. Allele origin: germline.
Comment: This missense variant replaces leucine with arginine at codon 11 of the MUTYH protein. Computational prediction suggests that this variant may not impact protein structure and function (internally defined REVEL score threshold <= 0.5, PMID: 27666373). To our knowledge, functional studies have not been reported for this variant. This variant has not been reported in individuals affected with MUTYH-related disorders in the literature. This variant has been identified in 1/249572 chromosomes in the general population by the Genome Aggregation Database (gnomAD). The available evidence is insufficient to determine the role of this variant in disease conclusively. Therefore, this variant is classified as a Variant of Uncertain Significance.